The following is an entry in ClinVar:

ClinVar aggregate classification (germline): Uncertain significance (1 of 4 stars; one submission).

Submission:

GeneDx
Classification: Uncertain significance. Last evaluated: 2025-08-12. Review status: criteria provided, single submitter. Criteria: GeneDx Variant Classification Process June 2021. Collection method: clinical testing. Allele origin: germline. Affected: yes.
Comment: Not observed at significant frequency in large population cohorts (gnomAD); In silico analysis supports that this missense variant has a deleterious effect on protein structure/function; Has not been previously published as pathogenic or benign to our knowledge

NM_001277115.2(DNAH11):c.10513T>G (p.Trp3505Gly)

Gene: DNAH11 (dynein axonemal heavy chain 11; plus strand). Cytogenetic location: 7p15.3.
Variant type: single nucleotide variant.
Coding change: c.10513T>G on transcript NM_001277115.2 (MANE Select); coding-DNA position 10513, T replaced by G.
Protein change: p.Trp3505Gly; replaces tryptophan 3505 with glycine.
Molecular consequence: missense variant.
Genome position (GRCh38, 1-based): chr7:21,816,647, T>G. VCF-style: chr7-21816647-T-G. GRCh37 (hg19) VCF-style: chr7-21856265-T-G.
Other names: short protein forms W3505G.
Identifiers: ClinVar variation 1328733 (VCV001328733.4), dbSNP rs2128000150, ClinGen allele CA366948947.